The following is an entry in ClinVar:

ClinVar aggregate classification (germline): Benign (0 of 4 stars; one submission).

Conditions:
MDN1-related disorder. Also called: MDN1-related condition.

Allele frequency attached by ClinVar (database versions not stated): TOPMed 0.00014; gnomAD 0.00056; gnomAD exomes 0.00099; ExAC 0.00212; 1000 Genomes Project 0.00280; 1000 Genomes Project 30x 0.00281.
gnomAD v4.1: 1,534 of 1,611,584 alleles (0.095%); highest among the groups gnomAD compares: South Asian, 1.6%; 23 homozygotes.

Submission:

PreventionGenetics, part of Exact Sciences
Classification: Benign for MDN1-related condition. Last evaluated: 2019-11-16. Review status: no assertion criteria provided. Collection method: clinical testing. Allele origin: germline.
Comment: This variant is classified as benign based on ACMG/AMP sequence variant interpretation guidelines (Richards et al. 2015 PMID: 25741868, with internal and published modifications).

NM_014611.3(MDN1):c.14705A>G (p.Glu4902Gly)

Genes: MDN1 (midasin AAA ATPase 1; minus strand), MDN1-AS1 (MDN1 antisense RNA 1; plus strand). Cytogenetic location: 6q15.
Variant type: single nucleotide variant.
Coding change: c.14705A>G on transcript NM_014611.3 (MANE Select); coding-DNA position 14705, A replaced by G.
Protein change: p.Glu4902Gly; replaces glutamic acid 4902 with glycine.
Molecular consequence: missense variant.
Genome position (GRCh38, 1-based): chr6:89,661,439, T>C on the plus strand (A>G on the coding strand, the complement: MDN1 is on the minus strand). VCF-style: chr6-89661439-T-C. GRCh37 (hg19) VCF-style: chr6-90371158-T-C.
Other names: short protein forms E4902G.
Identifiers: ClinVar variation 3048887 (VCV003048887.2), dbSNP rs202049803, ClinGen allele CA3922471.